The following is an entry in ClinVar:

NM_020928.2(ZSWIM6):c.905T>G (p.Met302Arg)

Gene: ZSWIM6 (zinc finger SWIM-type containing 6; plus strand). Cytogenetic location: 5q12.1.
Variant type: single nucleotide variant.
Coding change: c.905T>G on transcript NM_020928.2 (MANE Select); coding-DNA position 905, T replaced by G.
Protein change: p.Met302Arg; replaces methionine 302 with arginine.
Molecular consequence: missense variant.
Genome position (GRCh38, 1-based): chr5:61,472,909, T>G. VCF-style: chr5-61472909-T-G. GRCh37 (hg19) VCF-style: chr5-60768736-T-G.
Other names: short protein forms M302R.
Identifiers: ClinVar variation 1303412 (VCV001303412.2), dbSNP rs2112184748, ClinGen allele CA359941749.

ClinVar aggregate classification (germline): Uncertain significance (1 of 4 stars; one submission).

Submission:

GeneDx
Classification: Uncertain significance. Last evaluated: 2020-08-26. Review status: criteria provided, single submitter. Criteria: GeneDx Variant Classification Process June 2021. Collection method: clinical testing. Allele origin: germline. Affected: yes.
Comment: Not observed in large population cohorts (Lek et al., 2016); In silico analysis supports that this missense variant has a deleterious effect on protein structure/function; Has not been previously published as pathogenic or benign to our knowledge